The following is an entry in ClinVar:

NM_003000.3(SDHB):c.492G>A (p.Gln164=)

Gene: SDHB (succinate dehydrogenase complex iron sulfur subunit B; minus strand). Cytogenetic location: 1p36.13.
Variant type: single nucleotide variant.
Coding change: c.492G>A on transcript NM_003000.3 (MANE Select); coding-DNA position 492, G replaced by A.
Protein change: p.Gln164=; no amino-acid change (glutamine 164 retained).
Molecular consequence: synonymous variant.
Genome position (GRCh38, 1-based): chr1:17,027,797, C>T on the plus strand (G>A on the coding strand, the complement: SDHB is on the minus strand). VCF-style: chr1-17027797-C-T. GRCh37 (hg19) VCF-style: chr1-17354292-C-T.
Identifiers: ClinVar variation 1648012 (VCV001648012.11), dbSNP rs2101521670, ClinGen allele CA416085962.
Genomic context (GRCh38, chr1:17,027,797, plus strand): 5'-GGGACTAATGACCAGTTTCTCACGCTCTTCTATGGACTGCAGATACTGCTGCTTGCCTTC[C>T]TGAGATTCATCCTTCTTCTTCAAATAAGGCTCAATGGATTTGTACTGTGCATAGAAGTTG-3'
Protein context (NP_002991.2, residues 154-174): EPYLKKKDES[Gln164=]EGKQQYLQSI

ClinVar aggregate classification (germline): Likely benign. Review status: criteria provided, multiple submitters, no conflicts (2 of 4 stars). 3 submissions from 3 submitters: Likely benign (2). 1 of the submissions does not count toward it. Last evaluated 2022-08-20.

Conditions:
Hereditary cancer-predisposing syndrome. Also called: Tumor predisposition; Neoplastic Syndromes, Hereditary; Hereditary Cancer Syndrome; Hereditary neoplastic syndrome. Identifiers: Orphanet 140162, MedGen C0027672, MeSH D009386, MONDO:0015356.
SDHB-related disorder. Also called: SDHB-related condition; SDHB-related disorders. Identifiers: MedGen CN239418.
Pheochromocytoma/paraganglioma syndrome 4. Also called: CAROTID BODY TUMORS AND MULTIPLE EXTRAADRENAL PHEOCHROMOCYTOMAS; PARAGANGLIOMA, FAMILIAL MALIGNANT; PARAGANGLIOMAS, HEREDITARY EXTRAADRENAL; PHEOCHROMOCYTOMA, FAMILIAL EXTRAADRENAL; SDHB-Related Hereditary Paraganglioma-Pheochromocytoma Syndrome; SDHB-Related Hereditary Paraganglioma-Pheochromocytoma Syndrome (Paragangliomas 4). Identifiers: Orphanet 29072, MedGen C1861848, MONDO:0007273, OMIM 115310.
Pheochromocytoma. Also called: MAX-Related Hereditary Paraganglioma-Pheochromocytoma Syndrome. Identifiers: Orphanet 29072, MedGen C0031511, MONDO:0008233, OMIM 171300, HP:0002666.
Gastrointestinal stromal tumor. Also called: Gastrointestinal stroma tumor; Gastrointestinal stromal tumor, somatic. Identifiers: Orphanet 44890, MedGen C0238198, MeSH D046152, MONDO:0011719, OMIM 606764, HP:0100723.

Allele frequency attached by ClinVar (database versions not stated): gnomAD exomes below 0.00001.
gnomAD v4.1: 1 of 1,613,750 alleles (0.000062%); highest among the groups gnomAD compares: African/African-American, 0.0013%; no homozygotes.

Submissions (3):

Labcorp Genetics (formerly Invitae), Labcorp
Classification: Likely benign for Gastrointestinal stromal tumor; Pheochromocytoma/paraganglioma syndrome 4; Pheochromocytoma. Last evaluated: 2022-08-20. Review status: criteria provided, single submitter. Criteria: Invitae Variant Classification Sherloc (09022015). Collection method: clinical testing. Allele origin: germline.

Ambry Genetics
Classification: Likely benign for Hereditary cancer-predisposing syndrome. Last evaluated: 2020-09-12. Review status: criteria provided, single submitter. Criteria: Ambry Variant Classification Scheme 2023. Collection method: clinical testing. Allele origin: germline.

PreventionGenetics, part of Exact Sciences
Classification: Likely benign for SDHB-related condition. Last evaluated: 2024-03-27. Review status: no assertion criteria provided. Collection method: clinical testing. Allele origin: germline. Not counted in ClinVar's aggregate classification.
Comment: This variant is classified as likely benign based on ACMG/AMP sequence variant interpretation guidelines (Richards et al. 2015 PMID: 25741868, with internal and published modifications).